The following is an entry in ClinVar:

NM_001378974.1(FBXW11):c.937G>A (p.Val313Ile)

Gene: FBXW11 (F-box and WD repeat domain containing 11; minus strand). Cytogenetic location: 5q35.1.
Variant type: single nucleotide variant.
Coding change: c.937G>A on transcript NM_001378974.1 (MANE Select); coding-DNA position 937, G replaced by A.
Protein change: p.Val313Ile; replaces valine 313 with isoleucine.
Molecular consequence: missense variant.
Genome position (GRCh38, 1-based): chr5:171,878,045, C>T on the plus strand (G>A on the coding strand, the complement: FBXW11 is on the minus strand). VCF-style: chr5-171878045-C-T. GRCh37 (hg19) VCF-style: chr5-171305049-C-T.
Other names: c.868G>A, p.Val290Ile (NM_001378975.1); c.841G>A, p.Val281Ile (NM_001378976.1); c.778G>A, p.Val260Ile (NM_001378977.1, NM_001378978.1, NM_001378979.1); c.772G>A, p.Val258Ile (NM_001378980.1, NM_033645.3); c.874G>A, p.Val292Ile (NM_012300.3); c.835G>A, p.Val279Ile (NM_033644.3); short protein forms V258I, V260I, V279I, V281I, V290I, V292I, V313I.
Identifiers: ClinVar variation 1677188 (VCV001677188.2), dbSNP rs377635644, ClinGen allele CA3559301.
Genomic context (GRCh38, chr5:171,878,045, plus strand): 5'-AAGAACAATGAAGCCAGATCACTCACCTCACCGTAGAATCTGAAGAGCCAGTTACAATGA[C>T]ACGCTCATCATACTGCAGACAGAGGACAGAGCCTGTGTGTCCTGTTAACACTTTCAAACA-3'
Protein context (NP_001365903.1, residues 303-323): SVLCLQYDER[Val313Ile]IVTGSSDSTV

ClinVar aggregate classification (germline): Uncertain significance. Review status: criteria provided, multiple submitters, no conflicts (2 of 4 stars). 2 submissions from 2 submitters: Uncertain significance (2). Last evaluated 2024-05-22.

Conditions:
Neurodevelopmental, jaw, eye, and digital syndrome (NEDJED). Identifiers: MedGen C5394477, MONDO:0030057, OMIM 618914.

Allele frequency attached by ClinVar (database versions not stated): ExAC 0.00001; TOPMed 0.00001; ESP Exome Variant Server 0.00008.

Submissions (2):

Fulgent Genetics
Classification: Uncertain significance for Neurodevelopmental, jaw, eye, and digital syndrome. Last evaluated: 2024-05-22. Review status: criteria provided, single submitter. Criteria: ACMG Guidelines, 2015. Collection method: clinical testing. Allele origin: germline.

Women's Health and Genetics/Laboratory Corporation of America, LabCorp
Classification: Uncertain significance. Last evaluated: 2022-03-24. Review status: criteria provided, single submitter. Criteria: LabCorp Variant Classification Summary - May 2015. Collection method: clinical testing. Allele origin: germline.
Comment: Variant summary: FBXW11 c.874G>A (p.Val292Ile) results in a conservative amino acid change located in the WD domain, G-beta repeat (PF00400) of the encoded protein sequence. Four of five in-silico tools predict a benign effect of the variant on protein function. The variant allele was found at a frequency of 4e-06 in 251014 control chromosomes (gnomAD). The available data on variant occurrences in the general population are insufficient to allow any conclusion about variant significance. To our knowledge, no occurrence of c.874G>A in individuals affected with Neurodevelopmental, Jaw, Eye, And Digital Syndrome and no experimental evidence demonstrating its impact on protein function have been reported. No clinical diagnostic laboratories have submitted clinical-significance assessments for this variant to ClinVar after 2014. Based on the evidence outlined above, the variant was classified as uncertain significance.